The following is an entry in ClinVar:

ClinVar aggregate classification (germline): Likely pathogenic (1 of 4 stars; one submission).

Conditions:
Glutaric aciduria, type 1. Also called: Glutaric Acidemia Type 1; Glutaryl-CoA dehydrogenase deficiency; Glutaric acidemia type I; GA I; Glutaricacidemia Type 1; Glutaricaciduria, type I. Identifiers: Orphanet 25, MedGen C0268595, MONDO:0009281, OMIM 231670.

Submission:

Natera, Inc.
Classification: Likely pathogenic for Glutaric acidemia type 1. Last evaluated: 2025-02-14. Review status: criteria provided, single submitter. Criteria: Natera Variant Classification Schema (03/2026). Collection method: clinical testing. Allele origin: germline.
Comment: The c.257C>T variant in GCDH is a missense variant predicted to cause substitution of alanine to valine at amino acid 86. This variant is rare in the general population with a frequency below the threshold expected for the associated phenotype(s). This variant has been observed in one or more individuals affected with the associated recessive disease, as either homozygous or compound heterozygous with a second variant (PMID: 33064266). A different variant at the same position has been determined to be Pathogenic or Likely Pathogenic. Computational prediction algorithms indicate this variant is likely to affect gene or protein function. Given the available evidence, this variant is classified as Likely Pathogenic.

Literature cited by the submitters: PubMed 33064266.

NM_000159.4(GCDH):c.257C>T (p.Ala86Val)

Gene: GCDH (glutaryl-CoA dehydrogenase; plus strand). Cytogenetic location: 19p13.13.
Variant type: single nucleotide variant.
Coding change: c.257C>T on transcript NM_000159.4 (MANE Select); coding-DNA position 257, C replaced by T.
Protein change: p.Ala86Val; replaces alanine 86 with valine.
Molecular consequence: missense variant. On other transcripts: non-coding transcript variant (2).
Genome position (GRCh38, 1-based): chr19:12,891,960, C>T. VCF-style: chr19-12891960-C-T. GRCh37 (hg19) VCF-style: chr19-13002774-C-T.
Other names: c.257C>T, p.Ala86Val (NM_013976.5); short protein forms A86V.
Identifiers: ClinVar variation 4817843 (VCV004817843.1).